The following is an entry in ClinVar:

ClinVar aggregate classification (germline): Uncertain significance (1 of 4 stars; one submission).

Conditions:
Episodic kinesigenic dyskinesia (EKD). Also called: Paroxysmal kinesigenic dyskinesia. Identifiers: Orphanet 98809, MedGen C1868682, MONDO:0044202.

gnomAD v4.1: 3 of 972,726 alleles (0.00031%); highest among the groups gnomAD compares: East Asian, 0.0053%; no homozygotes.

Submission:

Labcorp Genetics (formerly Invitae), Labcorp
Classification: Uncertain significance for Episodic kinesigenic dyskinesia. Last evaluated: 2025-12-24. Review status: criteria provided, single submitter. Criteria: Invitae Variant Classification Sherloc (09022015). Collection method: clinical testing. Allele origin: germline.
Comment: This sequence change replaces alanine, which is neutral and non-polar, with valine, which is neutral and non-polar, at codon 214 of the PRRT2 protein (p.Ala214Val). This variant is not present in population databases (gnomAD no frequency). This variant has not been reported in the literature in individuals affected with PRRT2-related conditions. Invitae Evidence Modeling of protein sequence and biophysical properties (such as structural, functional, and spatial information, amino acid conservation, physicochemical variation, residue mobility, and thermodynamic stability) indicates that this missense variant is not expected to disrupt PRRT2 protein function with a negative predictive value of 95%. In summary, the available evidence is currently insufficient to determine the role of this variant in disease. Therefore, it has been classified as a Variant of Uncertain Significance.

NM_145239.3(PRRT2):c.641C>T (p.Ala214Val)

Genes: MVP-DT (MVP divergent transcript; minus strand), PRRT2 (proline rich transmembrane protein 2; plus strand). Cytogenetic location: 16p11.2.
Variant type: single nucleotide variant.
Coding change: c.641C>T on transcript NM_145239.3 (MANE Select); coding-DNA position 641, C replaced by T.
Protein change: p.Ala214Val; replaces alanine 214 with valine.
Molecular consequence: missense variant.
Genome position (GRCh38, 1-based): chr16:29,813,695, C>T. VCF-style: chr16-29813695-C-T. GRCh37 (hg19) VCF-style: chr16-29825016-C-T.
Other names: c.641C>T, p.Ala214Val (NM_001256442.2, NM_001256443.2, NM_001438120.1 and 2 more transcripts); short protein forms A214V.
Identifiers: ClinVar variation 4742936 (VCV004742936.1).
Genomic context (GRCh38, chr16:29,813,695, plus strand): 5'-AGGGCCCAGCCCCTGAGCCTCACTCACCACCCTCAAAAAAATCCCCCCCAGCCAATGGGG[C>T]CCCCCCCCGAGTGCTGCAGCAGCTGGTTGAGGAGGATCGAATGAGAAGGGCACACAGTGG-3'
Protein context (NP_660282.2, residues 204-224): PSKKSPPANG[Ala214Val]PPRVLQQLVE